The following is an entry in ClinVar:

NM_138295.5(PKD1L1):c.3501C>T (p.Tyr1167=)

Gene: PKD1L1 (polycystin 1 like 1, transient receptor potential channel interacting; minus strand). Cytogenetic location: 7p12.3.
Variant type: single nucleotide variant.
Coding change: c.3501C>T on transcript NM_138295.5 (MANE Select); coding-DNA position 3501, C replaced by T.
Protein change: p.Tyr1167=; no amino-acid change (tyrosine 1167 retained).
Molecular consequence: synonymous variant.
Genome position (GRCh38, 1-based): chr7:47,880,747, G>A on the plus strand (C>T on the coding strand, the complement: PKD1L1 is on the minus strand). VCF-style: chr7-47880747-G-A. GRCh37 (hg19) VCF-style: chr7-47920345-G-A.
Identifiers: ClinVar variation 1281325 (VCV001281325.11), dbSNP rs62447081, ClinGen allele CA4253409.

ClinVar aggregate classification (germline): Benign. Review status: criteria provided, multiple submitters, no conflicts (2 of 4 stars). 5 submissions from 5 submitters: Benign (4). 1 of the submissions does not count toward it. Last evaluated 2026-02-03.

Conditions:
PKD1L1-related disorder. Also called: PKD1L1-related condition.
Heterotaxy, visceral, 8, autosomal (HTX8). Identifiers: MedGen C4310668, MONDO:0014967, OMIM 617205.

Allele frequency attached by ClinVar (database versions not stated): gnomAD exomes 0.29446; 1000 Genomes Project 0.34006; ExAC 0.30843; TOPMed 0.36668; gnomAD 0.36755 and 0.35965; 1000 Genomes Project 30x 0.34806; ESP Exome Variant Server 0.37352.
gnomAD v4.1: 467,292 of 1,602,790 alleles (29%); highest among the groups gnomAD compares: African/African-American, 57%; 72,879 homozygotes.

Submissions (5):

Labcorp Genetics (formerly Invitae), Labcorp
Classification: Benign. Last evaluated: 2026-02-03. Review status: criteria provided, single submitter. Criteria: Invitae Variant Classification Sherloc (09022015). Collection method: clinical testing. Allele origin: germline.

Genome-Nilou Lab
Classification: Benign for Heterotaxy, visceral, 8, autosomal. Last evaluated: 2021-09-05. Review status: criteria provided, single submitter. Criteria: ACMG Guidelines, 2015. Collection method: clinical testing. Allele origin: germline. Affected: no.

GeneDx
Classification: Benign. Last evaluated: 2019-12-19. Review status: criteria provided, single submitter. Criteria: GeneDx Variant Classification Process June 2021. Collection method: clinical testing. Allele origin: germline. Affected: yes.

Breakthrough Genomics
Classification: Benign. Review status: criteria provided, single submitter. Criteria: ACMG Guidelines, 2015. Collection method: not provided. Allele origin: germline. Inheritance: Autosomal recessive inheritance. Affected: yes.

PreventionGenetics, part of Exact Sciences
Classification: Benign for PKD1L1-related condition. Last evaluated: 2019-03-29. Review status: no assertion criteria provided. Collection method: clinical testing. Allele origin: germline. Not counted in ClinVar's aggregate classification.
Comment: This variant is classified as benign based on ACMG/AMP sequence variant interpretation guidelines (Richards et al. 2015 PMID: 25741868, with internal and published modifications).